The following is an entry in ClinVar:

ClinVar aggregate classification (germline): Uncertain significance (1 of 4 stars; one submission).

Conditions:
BPTF-related disorder. Also called: BPTF-related condition.

Submission:

PreventionGenetics, part of Exact Sciences
Classification: Uncertain significance for BPTF-related condition. Last evaluated: 2026-07-24. Review status: criteria provided, single submitter. Criteria: ACMG Guidelines, 2015. Collection method: clinical testing. Allele origin: germline.
Comment: The BPTF c.4589A>G variant is predicted to result in the amino acid substitution p.Gln1530Arg. To our knowledge, this variant has not been reported in the literature or in a large population database (gnomAD), indicating this variant is rare. At this time, the clinical significance of this variant is uncertain due to the absence of conclusive functional and genetic evidence.

NM_182641.4(BPTF):c.4589A>G (p.Gln1530Arg)

Gene: BPTF (bromodomain PHD finger transcription factor; plus strand). Cytogenetic location: 17q24.2.
Variant type: single nucleotide variant.
Coding change: c.4589A>G on transcript NM_182641.4 (MANE Select); coding-DNA position 4589, A replaced by G.
Protein change: p.Gln1530Arg; replaces glutamine 1530 with arginine.
Molecular consequence: missense variant.
Genome position (GRCh38, 1-based): chr17:67,912,473, A>G. VCF-style: chr17-67912473-A-G. GRCh37 (hg19) VCF-style: chr17-65908589-A-G.
Other names: c.4778A>G, p.Gln1593Arg (NM_001439139.1, NM_001439141.1, NM_001439143.1 and 1 more transcripts); c.4967A>G, p.Gln1656Arg (NM_001439140.1, NM_001439142.1, NM_004459.7); short protein forms Q1593R, Q1656R, Q1530R.
Identifiers: ClinVar variation 4996818 (VCV004996818.1).